The following is an entry in ClinVar:

NM_000478.6(ALPL):c.1376T>C (p.Val459Ala)

Gene: ALPL (alkaline phosphatase, biomineralization associated; plus strand). Cytogenetic location: 1p36.12.
Variant type: single nucleotide variant.
Coding change: c.1376T>C on transcript NM_000478.6 (MANE Select); coding-DNA position 1376, T replaced by C.
Protein change: p.Val459Ala; replaces valine 459 with alanine.
Molecular consequence: missense variant.
Genome position (GRCh38, 1-based): chr1:21,577,449, T>C. VCF-style: chr1-21577449-T-C. GRCh37 (hg19) VCF-style: chr1-21903942-T-C.
Other names: c.1145T>C, p.Val382Ala (NM_001177520.3); c.1376T>C, p.Val459Ala (NM_001369803.2, NM_001369804.2, NM_001369805.2); c.1211T>C, p.Val404Ala (NM_001127501.4); short protein forms V382A, V404A, V459A.
Identifiers: ClinVar variation 1686656 (VCV001686656.4), dbSNP rs2148194744, ClinGen allele CA338882069.

ClinVar aggregate classification (germline): Likely pathogenic. Review status: criteria provided, multiple submitters, no conflicts (2 of 4 stars). 2 submissions from 2 submitters: Likely pathogenic (2). Last evaluated 2026-09-01.

Conditions:
Hypophosphatasia. Also called: Phosphoethanol-aminuria. Identifiers: Orphanet 436, MedGen C0020630, MeSH D007014, MONDO:0018570.

gnomAD v4.1: 1 of 1,611,892 alleles (0.000062%); highest among the groups gnomAD compares: Non-Finnish European, 0.000085%; no homozygotes.

Submissions (2):

Genomenon, Inc
Classification: Likely pathogenic for Hypophosphatasia. Last evaluated: 2026-09-01. Review status: criteria provided, single submitter. Criteria: Genomenon Sequence Variant Interpretation Standards - Updated. Collection method: curation. Allele origin: germline. Affected: yes.
Comment: ALPL p.Val459Ala (c.1376T>C) is a missense variant that changes the amino acid at codon 459 from Valine to Alanine. This variant has been observed in at least one proband affected with an ALPL-related disorder (PMID:29724887). At least one functional study has demonstrated a substantial alteration in protein function relative to the wild-type (PMID:40386289). It is absent or not present at a significant frequency in gnomAD. In silico models predict that this variant is possibly or probably damaging. In conclusion, we classify ALPL p.Val459Ala (c.1376T>C) as a likely pathogenic variant.

JKU Lab, Dept of Paediatrics, Johannes Kepler University
Classification: Likely pathogenic for Hypophosphatasia. Last evaluated: 2023-08-22. Review status: criteria provided, single submitter. Criteria: ACMG Guidelines, 2015. Collection method: curation, in vitro. Allele origin: germline, not applicable. Affected: yes. Functional consequence: decreased enzyme activity.
Comment: This missense variant is not present in GnomAD 4.1 and affects a highly conserved amino acid in the homodimeric interface domain. The variant is predicted to affect protein function (REVEL score: 0.95). Splice-prediction algorithms predict no effect on splicing. In vitro functional studies showed reduced ALP activity with a dominant negative effect. This variant has been reported in the literature in individuals affected by ALPL-related conditions (PMID: 29724887). The results of the functional testing and the applied ACMG criteria can be viewed at an online resource

Literature cited by the submitters: PubMed 29724887 (cited by Genomenon, Inc and JKU Lab, Dept of Paediatrics, Johannes Kepler University); PubMed 40386289 (cited by Genomenon, Inc).